The following is an entry in ClinVar:

NM_015311.3(OBSL1):c.1237G>A (p.Glu413Lys)

Gene: OBSL1 (obscurin like cytoskeletal adaptor 1; minus strand). Cytogenetic location: 2q35.
Variant type: single nucleotide variant.
Coding change: c.1237G>A on transcript NM_015311.3 (MANE Select); coding-DNA position 1237, G replaced by A.
Protein change: p.Glu413Lys; replaces glutamic acid 413 with lysine.
Molecular consequence: missense variant.
Genome position (GRCh38, 1-based): chr2:219,568,100, C>T on the plus strand (G>A on the coding strand, the complement: OBSL1 is on the minus strand). VCF-style: chr2-219568100-C-T. GRCh37 (hg19) VCF-style: chr2-220432822-C-T.
Other names: c.1237G>A, p.Glu413Lys (NM_001173408.2, NM_001173431.2); short protein forms E413K.
Identifiers: ClinVar variation 896259 (VCV000896259.6), dbSNP rs2292359, ClinGen allele CA2131603.

ClinVar aggregate classification (germline): Uncertain significance. Review status: criteria provided, multiple submitters, no conflicts (2 of 4 stars). 2 submissions from 2 submitters: Uncertain significance (2). Last evaluated 2024-03-04.

Conditions:
3M syndrome 2. Also called: 3-M Syndrome, OBSL1-Related; THREE M SYNDROME 2. Identifiers: Orphanet 2616, MedGen C2752041, MONDO:0013039, OMIM 612921.

Allele frequency attached by ClinVar (database versions not stated): TOPMed 0.00002; ExAC 0.00003; gnomAD 0.00003 and 0.00004.
gnomAD v4.1: 37 of 1,613,126 alleles (0.0023%); highest among the groups gnomAD compares: East Asian, 0.047%; no homozygotes.

Submissions (2):

Labcorp Genetics (formerly Invitae), Labcorp
Classification: Uncertain significance. Last evaluated: 2024-03-04. Review status: criteria provided, single submitter. Criteria: Invitae Variant Classification Sherloc (09022015). Collection method: clinical testing. Allele origin: germline.
Comment: This sequence change replaces glutamic acid, which is acidic and polar, with lysine, which is basic and polar, at codon 413 of the OBSL1 protein (p.Glu413Lys). This variant is present in population databases (rs2292359, gnomAD 0.01%). This variant has not been reported in the literature in individuals affected with OBSL1-related conditions. ClinVar contains an entry for this variant (Variation ID: 896259). An algorithm developed to predict the effect of missense changes on protein structure and function (PolyPhen-2) suggests that this variant is likely to be disruptive. In summary, the available evidence is currently insufficient to determine the role of this variant in disease. Therefore, it has been classified as a Variant of Uncertain Significance.

Illumina Laboratory Services, Illumina
Classification: Uncertain significance for 3M syndrome 2. Last evaluated: 2018-01-13. Review status: criteria provided, single submitter. Criteria: ICSL Variant Classification Criteria 13 December 2019. Collection method: clinical testing. Allele origin: germline.